The following is an entry in ClinVar:

NM_025243.4(SLC19A3):c.1412A>G (p.Gln471Arg)

Gene: SLC19A3 (solute carrier family 19 member 3; minus strand). Cytogenetic location: 2q36.3.
Variant type: single nucleotide variant.
Coding change: c.1412A>G on transcript NM_025243.4 (MANE Select); coding-DNA position 1412, A replaced by G.
Protein change: p.Gln471Arg; replaces glutamine 471 with arginine.
Molecular consequence: missense variant.
Genome position (GRCh38, 1-based): chr2:227,687,476, T>C on the plus strand (A>G on the coding strand, the complement: SLC19A3 is on the minus strand). VCF-style: chr2-227687476-T-C. GRCh37 (hg19) VCF-style: chr2-228552192-T-C.
Other names: c.1412A>G, p.Gln471Arg (NM_001371411.1, NM_001371412.1); c.1400A>G, p.Gln467Arg (NM_001371413.1, NM_001371414.1); short protein forms Q471R, Q467R.
Identifiers: ClinVar variation 898281 (VCV000898281.8), dbSNP rs1201780335, ClinGen allele CA350875099.

ClinVar aggregate classification (germline): Uncertain significance. Review status: criteria provided, multiple submitters, no conflicts (2 of 4 stars). 2 submissions from 2 submitters: Uncertain significance (2). Last evaluated 2024-05-29.

Conditions:
Biotin-responsive basal ganglia disease (BTBGD). Also called: Thiamine Transporter-2 Deficiency; THIAMINE METABOLISM DYSFUNCTION SYNDROME 2 (BIOTIN- AND THIAMINE-RESPONSIVE TYPE); Thiamine metabolism dysfunction syndrome type 2; thiamine-responsive encephalopathy; Thiamine metabolism dysfunction syndrome 2 (biotin- or thiamine-responsive encephalopathy type 2). Identifiers: Orphanet 199348, Orphanet 65284, MedGen C1843807, MONDO:0011841, OMIM 607483.

Allele frequency attached by ClinVar (database versions not stated): gnomAD 0.00001; gnomAD exomes 0.00001; TOPMed 0.00002.
gnomAD v4.1: 15 of 1,614,050 alleles (0.00093%); highest among the groups gnomAD compares: East Asian, 0.0045%; no homozygotes.

Submissions (2):

Labcorp Genetics (formerly Invitae), Labcorp
Classification: Uncertain significance for Biotin-responsive basal ganglia disease. Last evaluated: 2024-05-29. Review status: criteria provided, single submitter. Criteria: Invitae Variant Classification Sherloc (09022015). Collection method: clinical testing. Allele origin: germline.
Comment: This sequence change replaces glutamine, which is neutral and polar, with arginine, which is basic and polar, at codon 471 of the SLC19A3 protein (p.Gln471Arg). This variant is present in population databases (no rsID available, gnomAD 0.003%). This variant has not been reported in the literature in individuals affected with SLC19A3-related conditions. ClinVar contains an entry for this variant (Variation ID: 898281). Advanced modeling of protein sequence and biophysical properties (such as structural, functional, and spatial information, amino acid conservation, physicochemical variation, residue mobility, and thermodynamic stability) performed at Invitae indicates that this missense variant is not expected to disrupt SLC19A3 protein function with a negative predictive value of 80%. In summary, the available evidence is currently insufficient to determine the role of this variant in disease. Therefore, it has been classified as a Variant of Uncertain Significance.

Illumina Laboratory Services, Illumina
Classification: Uncertain significance for Biotin-responsive basal ganglia disease. Last evaluated: 2018-01-13. Review status: criteria provided, single submitter. Criteria: ICSL Variant Classification Criteria 13 December 2019. Collection method: clinical testing. Allele origin: germline.